The following is an entry in ClinVar:

NM_001384474.1(LOXHD1):c.4741-7C>T

Gene: LOXHD1 (lipoxygenase homology PLAT domains 1; minus strand). Cytogenetic location: 18q21.1.
Variant type: single nucleotide variant.
Coding change: c.4741-7C>T on transcript NM_001384474.1 (MANE Select); 7 bases into the intron before coding-DNA position 4741, C replaced by T.
Molecular consequence: intron variant.
Genome position (GRCh38, 1-based): chr18:46,524,608, G>A on the plus strand (C>T on the coding strand, the complement: LOXHD1 is on the minus strand). VCF-style: chr18-46524608-G-A. GRCh37 (hg19) VCF-style: chr18-44104571-G-A.
Other names: c.1408-7C>T (NM_001145472.3); c.1120-7C>T (NM_001308013.2); c.4741-7C>T (NM_144612.7).
Identifiers: ClinVar variation 747756 (VCV000747756.9), dbSNP rs950337152, ClinGen allele CA299801766.

ClinVar aggregate classification (germline): Likely benign. Review status: criteria provided, multiple submitters, no conflicts (2 of 4 stars). 2 submissions from 2 submitters: Likely benign (2). Last evaluated 2025-06-18.

Conditions:
LOXHD1-related disorder. Also called: LOXHD1-related condition.

Allele frequency attached by ClinVar (database versions not stated): gnomAD 0.00001; TOPMed 0.00001; gnomAD exomes 0.00002 and 0.00004.
gnomAD v4.1: 10 of 1,551,600 alleles (0.00064%); highest among the groups gnomAD compares: Admixed American, 0.018%; 1 homozygote.

Submissions (2):

Labcorp Genetics (formerly Invitae), Labcorp
Classification: Likely benign. Last evaluated: 2025-06-18. Review status: criteria provided, single submitter. Criteria: Invitae Variant Classification Sherloc (09022015). Collection method: clinical testing. Allele origin: germline.

PreventionGenetics, part of Exact Sciences
Classification: Likely benign for LOXHD1-related condition. Last evaluated: 2025-04-22. Review status: criteria provided, single submitter. Criteria: ACMG Guidelines, 2015. Collection method: clinical testing. Allele origin: germline.
Comment: This variant is classified as likely benign based on ACMG/AMP sequence variant interpretation guidelines (Richards et al. 2015 PMID: 25741868, with internal and published modifications).